The following is an entry in ClinVar:

NM_001037.5(SCN1B):c.448+288T>C

Gene: SCN1B (sodium voltage-gated channel beta subunit 1; plus strand). Cytogenetic location: 19q13.11.
Variant type: single nucleotide variant.
Coding change: c.448+288T>C on transcript NM_001037.5 (MANE Select); 288 bases into the intron after coding-DNA position 448, T replaced by C.
Molecular consequence: intron variant. On other transcripts: missense variant (1).
Genome position (GRCh38, 1-based): chr19:35,034,027, T>C. VCF-style: chr19-35034027-T-C. GRCh37 (hg19) VCF-style: chr19-35524931-T-C.
Other names: c.736T>C, p.Ser246Pro (NM_199037.5); c.349+288T>C (NM_001321605.2); short protein forms S246P.
Identifiers: ClinVar variation 2842665 (VCV002842665.3), dbSNP rs2514235417, ClinGen allele CA405329748.

ClinVar aggregate classification (germline): Uncertain significance (1 of 4 stars; one submission).

Conditions:
Brugada syndrome 5 (BRGDA5). Identifiers: Orphanet 130, Orphanet 871, MedGen C2748541, MONDO:0013015, OMIM 612838.

Submission:

Labcorp Genetics (formerly Invitae), Labcorp
Classification: Uncertain significance for Brugada syndrome 5. Last evaluated: 2023-03-03. Review status: criteria provided, single submitter. Criteria: Invitae Variant Classification Sherloc (09022015). Collection method: clinical testing. Allele origin: germline.
Comment: In summary, the available evidence is currently insufficient to determine the role of this variant in disease. Therefore, it has been classified as a Variant of Uncertain Significance. Algorithms developed to predict the effect of missense changes on protein structure and function output the following: SIFT: "Not Available"; PolyPhen-2: "Possibly Damaging"; Align-GVGD: "Not Available". The proline amino acid residue is found in multiple mammalian species, which suggests that this missense change does not adversely affect protein function. This variant has not been reported in the literature in individuals affected with SCN1B-related conditions. This variant is not present in population databases (gnomAD no frequency). This sequence change replaces serine, which is neutral and polar, with proline, which is neutral and non-polar, at codon 246 of the SCN1B protein (p.Ser246Pro).